The following is an entry in ClinVar:

ClinVar aggregate classification (germline): Pathogenic (1 of 4 stars; one submission).

Conditions:
Brain small vessel disease 2A, autosomal dominant. Also called: Porencephaly 2. Identifiers: Orphanet 2940, Orphanet 99810, MedGen C3280970, MONDO:0013773, OMIM 614483.

Submission:

Women's Health and Genetics/Laboratory Corporation of America, LabCorp
Classification: Pathogenic for Brain small vessel disease 2A, autosomal dominant. Last evaluated: 2025-04-28. Review status: criteria provided, single submitter. Criteria: LabCorp Variant Classification Summary - May 2015. Collection method: clinical testing. Allele origin: germline.
Comment: Variant summary: COL4A2 c.2019_2022delACAG (p.Gln674ArgfsX8) results in a premature termination codon, predicted to cause a truncation of the encoded protein or absence of the protein due to nonsense mediated decay, which are commonly known mechanisms for disease. The variant was absent in 249516 control chromosomes (gnomAD). To our knowledge, no occurrence of c.2019_2022delACAG in individuals affected with Porencephaly 2 and no experimental evidence demonstrating its impact on protein function have been reported. No submitters have cited clinical-significance assessments for this variant to ClinVar. Based on the evidence outlined above, the variant was classified as pathogenic.

NM_001846.4(COL4A2):c.2019_2022del (p.Gln674fs)

Gene: COL4A2 (collagen type IV alpha 2 chain; plus strand). Cytogenetic location: 13q34.
Variant type: Microsatellite.
Coding change: c.2019_2022del on transcript NM_001846.4 (MANE Select); coding-DNA positions 2019 to 2022, 4 bases deleted (ACAG; older notation c.2019_2022delACAG).
Protein change: p.Gln674fs; shifts the reading frame from glutamine 674.
Molecular consequence: frameshift variant.
Genome position (GRCh38, 1-based): chr13:110,466,043-110,466,046, ACAG deleted; deleting any 4 consecutive bases within chr13:110,466,038-110,466,046 gives the same sequence; the c. name uses the placement nearest the transcript's 3' end. VCF-style (leftmost placement, unchanged base first): chr13-110466037-TGACA-T. GRCh37 (hg19) VCF-style: chr13-111118384-TGACA-T.
Other names: c.2019_2022delACAG (NM_001846.4); short protein forms Q674fs.
Identifiers: ClinVar variation 3896611 (VCV003896611.2).